The following is an entry in ClinVar:

ClinVar aggregate classification (germline): Uncertain significance (1 of 4 stars; one submission).

gnomAD v4.1: 3 of 1,613,434 alleles (0.00019%); highest among the groups gnomAD compares: Admixed American, 0.0017%; no homozygotes.

Submission:

GeneDx
Classification: Uncertain significance. Last evaluated: 2025-03-18. Review status: criteria provided, single submitter. Criteria: GeneDx Variant Classification Process June 2021. Collection method: clinical testing. Allele origin: germline. Affected: yes.
Comment: Not observed at significant frequency in large population cohorts (gnomAD); In silico analysis supports that this missense variant has a deleterious effect on protein structure/function; Has not been previously published as pathogenic or benign to our knowledge

NM_014633.5(CTR9):c.1520A>G (p.Tyr507Cys)

Genes: CTR9 (CTR9 component of Paf1/RNA polymerase II complex; plus strand), LOC126861140 (CDK7 strongly-dependent group 2 enhancer GRCh37_chr11:10785333-10786532; plus strand). Cytogenetic location: 11p15.4.
Variant type: single nucleotide variant.
Coding change: c.1520A>G on transcript NM_014633.5 (MANE Select); coding-DNA position 1520, A replaced by G.
Protein change: p.Tyr507Cys; replaces tyrosine 507 with cysteine.
Molecular consequence: missense variant.
Genome position (GRCh38, 1-based): chr11:10,764,654, A>G. VCF-style: chr11-10764654-A-G. GRCh37 (hg19) VCF-style: chr11-10786201-A-G.
Other names: c.1520A>G, p.Tyr507Cys (NM_001346279.2); short protein forms Y507C.
Identifiers: ClinVar variation 4086327 (VCV004086327.1).
Genomic context (GRCh38, chr11:10,764,654, plus strand): 5'-ACGATGAGCATTACTATAACGCCATTTCCGTTACCACGTCATATAATCTCGCCAGGCTAT[A>G]TGAGGCGATGTGTGAATTCCATGAAGCAGAAAAACTGTATAAAAACATCTTACGCGAACA-3'
Protein context (NP_055448.1, residues 497-517): VTTSYNLARL[Tyr507Cys]EAMCEFHEAE